The following is an entry in ClinVar:

NM_198253.3(TERT):c.1637A>G (p.His546Arg)

Gene: TERT (telomerase reverse transcriptase; minus strand). Cytogenetic location: 5p15.33.
Variant type: single nucleotide variant.
Coding change: c.1637A>G on transcript NM_198253.3 (MANE Select); coding-DNA position 1637, A replaced by G.
Protein change: p.His546Arg; replaces histidine 546 with arginine.
Molecular consequence: missense variant. On other transcripts: non-coding transcript variant (2).
Genome position (GRCh38, 1-based): chr5:1,282,561, T>C on the plus strand (A>G on the coding strand, the complement: TERT is on the minus strand). VCF-style: chr5-1282561-T-C. GRCh37 (hg19) VCF-style: chr5-1282676-T-C.
Other names: c.1637A>G (NM_198253.2); c.1637A>G, p.His546Arg (NM_001193376.3); short protein forms H546R.
Identifiers: ClinVar variation 1379641 (VCV001379641.9), dbSNP rs2126649799, ClinGen allele CA359083304.
Genomic context (GRCh38, chr5:1,282,561, plus strand): 5'-GTCTCCGTGACATAAAAGAAAGACCTGAGCAGCTCGACGACGTACACACTCATCAGCCAG[T>C]GCAGGAACTTGGCCAGGATCTCCTCACGCAGACGGTGCTCTGCGGCCGGAACACAGCCAA-3'
Protein context (NP_937983.2, residues 536-556): LREEILAKFL[His546Arg]WLMSVYVVEL

ClinVar aggregate classification (germline): Uncertain significance. Review status: criteria provided, multiple submitters, no conflicts (2 of 4 stars). 2 submissions from 2 submitters: Uncertain significance (2). Last evaluated 2023-06-07.

Conditions:
Idiopathic Pulmonary Fibrosis. Also called: Idiopathic fibrosing alveolitis, chronic form; idiopathic fibrosing alveolitis. Identifiers: Orphanet 2032, MedGen C1800706, MeSH D054990, MONDO:0800504.
Dyskeratosis congenita, autosomal dominant 2. Identifiers: MedGen C3151443, MONDO:0013521, OMIM 613989.
Dyskeratosis congenita. Identifiers: Orphanet 1775, MedGen C0265965, MONDO:0015780.

Allele frequency attached by ClinVar (database versions not stated): gnomAD exomes 0.00002.
gnomAD v4.1: 13 of 1,614,120 alleles (0.00081%); highest among the groups gnomAD compares: Non-Finnish European, 0.0011%; no homozygotes.

Submissions (2):

Ambry Genetics
Classification: Uncertain significance for Dyskeratosis congenita. Last evaluated: 2023-06-07. Review status: criteria provided, single submitter. Criteria: Ambry Variant Classification Scheme 2023. Collection method: clinical testing. Allele origin: germline.
Comment: The p.H546R variant (also known as c.1637A>G), located in coding exon 3 of the TERT gene, results from an A to G substitution at nucleotide position 1637. The histidine at codon 546 is replaced by arginine, an amino acid with highly similar properties. This amino acid position is conserved. In addition, this alteration is predicted to be tolerated by in silico analysis. Since supporting evidence is limited at this time, the clinical significance of this alteration remains unclear.

Labcorp Genetics (formerly Invitae), Labcorp
Classification: Uncertain significance for Dyskeratosis congenita, autosomal dominant 2; Idiopathic Pulmonary Fibrosis. Last evaluated: 2022-12-26. Review status: criteria provided, single submitter. Criteria: Invitae Variant Classification Sherloc (09022015). Collection method: clinical testing. Allele origin: germline.
Comment: This sequence change replaces histidine, which is basic and polar, with arginine, which is basic and polar, at codon 546 of the TERT protein (p.His546Arg). This variant is not present in population databases (gnomAD no frequency). This variant has not been reported in the literature in individuals affected with TERT-related conditions. ClinVar contains an entry for this variant (Variation ID: 1379641). Algorithms developed to predict the effect of missense changes on protein structure and function (SIFT, PolyPhen-2, Align-GVGD) all suggest that this variant is likely to be tolerated. In summary, the available evidence is currently insufficient to determine the role of this variant in disease. Therefore, it has been classified as a Variant of Uncertain Significance.